The following is an entry in ClinVar:

ClinVar aggregate classification (germline): Benign/Likely benign. Review status: criteria provided, multiple submitters, no conflicts (2 of 4 stars). 3 submissions from 3 submitters: Benign (1); Likely benign (2). Last evaluated 2025-03-18.

Conditions:
Juvenile polyposis syndrome (JPS). Identifiers: Orphanet 2929, MedGen C0345893, MONDO:0017380, OMIM 174900.
Familial thoracic aortic aneurysm and aortic dissection (TAAD). Also called: Thoracic aortic aneurysms and dissections. Identifiers: Orphanet 91387, MedGen C4707243, MONDO:0019625.
Hereditary cancer-predisposing syndrome. Also called: Neoplastic Syndromes, Hereditary; Hereditary neoplastic syndrome; Hereditary Cancer Syndrome; Tumor predisposition. Identifiers: Orphanet 140162, MedGen C0027672, MeSH D009386, MONDO:0015356.
Juvenile polyposis/hereditary hemorrhagic telangiectasia syndrome (JPHT). Also called: JP/HHT SYNDROME; JUVENILE POLYPOSIS WITH HEREDITARY HEMORRHAGIC TELANGIECTASIA; POLYPOSIS, GENERALIZED JUVENILE, WITH PULMONARY ARTERIOVENOUS MALFORMATION; TELANGIECTASIA, HEREDITARY HEMORRHAGIC, WITH JUVENILE POLYPOSIS COLI; Juvenile Polyposis Syndrome / Hereditary Hemorrhagic Telangiectasia (JPS/HHT). Identifiers: Orphanet 2929, MedGen C1832942, MONDO:0008278, OMIM 175050.

Allele frequency attached by ClinVar (database versions not stated): gnomAD exomes 0.00001.
gnomAD v4.1: 4 of 1,612,648 alleles (0.00025%); highest among the groups gnomAD compares: South Asian, 0.0044%; no homozygotes.

Submissions (3):

Myriad Genetics, Inc.
Classification: Benign for Juvenile polyposis/hereditary hemorrhagic telangiectasia syndrome. Last evaluated: 2025-03-18. Review status: criteria provided, single submitter. Criteria: Myriad Autosomal Dominant, Autosomal Recessive and X-Linked Classification Criteria (2023). Collection method: clinical testing. Allele origin: unknown.
Comment: This variant is considered benign. This variant is a silent/synonymous amino acid change, and it is not expected to impact splicing.

Labcorp Genetics (formerly Invitae), Labcorp
Classification: Likely benign for Juvenile polyposis syndrome. Last evaluated: 2025-01-23. Review status: criteria provided, single submitter. Criteria: Invitae Variant Classification Sherloc (09022015). Collection method: clinical testing. Allele origin: germline.

Ambry Genetics
Classification: Likely benign for Hereditary cancer-predisposing syndrome; Familial thoracic aortic aneurysm and aortic dissection. Last evaluated: 2021-03-04. Review status: criteria provided, single submitter. Criteria: Ambry Variant Classification Scheme 2023. Collection method: clinical testing. Allele origin: germline.

NM_005359.6(SMAD4):c.282C>T (p.Ile94=)

Gene: SMAD4 (SMAD family member 4; plus strand). Cytogenetic location: 18q21.2.
Variant type: single nucleotide variant.
Coding change: c.282C>T on transcript NM_005359.6 (MANE Select); coding-DNA position 282, C replaced by T.
Protein change: p.Ile94=; no amino-acid change (isoleucine 94 retained).
Molecular consequence: synonymous variant.
Genome position (GRCh38, 1-based): chr18:51,048,718, C>T. VCF-style: chr18-51048718-C-T. GRCh37 (hg19) VCF-style: chr18-48575088-C-T.
Identifiers: ClinVar variation 760885 (VCV000760885.13), dbSNP rs1599182415, ClinGen allele CA503873557.